The following is an entry in ClinVar:

ClinVar aggregate classification (germline): Uncertain significance (1 of 4 stars; one submission).

Conditions:
Inborn genetic diseases. Identifiers: MedGen C0950123, MeSH D030342.

Submission:

Ambry Genetics
Classification: Uncertain significance for Inborn genetic diseases. Last evaluated: 2025-01-24. Review status: criteria provided, single submitter. Criteria: Ambry Variant Classification Scheme 2023. Collection method: clinical testing. Allele origin: germline.
Comment: The p.R107K variant (also known as c.320G>A), located in coding exon 1 of the SAMD9 gene, results from a G to A substitution at nucleotide position 320. The arginine at codon 107 is replaced by lysine, an amino acid with highly similar properties. This amino acid position is conserved. In addition, this alteration is predicted to be tolerated by in silico analysis. Based on the available evidence, the clinical significance of this variant remains unclear.

NM_017654.4(SAMD9):c.320G>A (p.Arg107Lys)

Gene: SAMD9 (sterile alpha motif domain containing 9; minus strand). Cytogenetic location: 7q21.2.
Variant type: single nucleotide variant.
Coding change: c.320G>A on transcript NM_017654.4 (MANE Select); coding-DNA position 320, G replaced by A.
Protein change: p.Arg107Lys; replaces arginine 107 with lysine.
Molecular consequence: missense variant.
Genome position (GRCh38, 1-based): chr7:93,105,778, C>T on the plus strand (G>A on the coding strand, the complement: SAMD9 is on the minus strand). VCF-style: chr7-93105778-C-T. GRCh37 (hg19) VCF-style: chr7-92735091-C-T.
Other names: c.320G>A, p.Arg107Lys (NM_001193307.2); short protein forms R107K.
Identifiers: ClinVar variation 3792018 (VCV003792018.1).
Genomic context (GRCh38, chr7:93,105,778, plus strand): 5'-GCAGACGGATTAGCCATATCTGGGTTCTCTTTACCCTTTTGTTTTTGCTTTGAAGTTTCT[C>T]TACGTTCCTTTTGAGACACAGTTTGGTCTTTAGGAGCATTTTTACTGGGCTTTCCCATCT-3'
Protein context (NP_060124.2, residues 97-117): KDQTVSQKER[Arg107Lys]ETSKQKQKGK